The following is an entry in ClinVar:

NM_000338.3(SLC12A1):c.1315C>T (p.Arg439Ter)

Gene: SLC12A1 (solute carrier family 12 member 1; plus strand). Cytogenetic location: 15q21.1.
Variant type: single nucleotide variant.
Coding change: c.1315C>T on transcript NM_000338.3 (MANE Select); coding-DNA position 1315, C replaced by T.
Protein change: p.Arg439Ter; replaces arginine 439 with a stop codon.
Molecular consequence: nonsense.
Genome position (GRCh38, 1-based): chr15:48,244,767, C>T. VCF-style: chr15-48244767-C-T. GRCh37 (hg19) VCF-style: chr15-48536964-C-T.
Other names: c.1315C>T, p.Arg439Ter (NM_001184832.2, NM_001384136.1); short protein forms R439*.
Identifiers: ClinVar variation 2190892 (VCV002190892.5), dbSNP rs758291275, ClinGen allele CA7547059.

ClinVar aggregate classification (germline): Pathogenic/Likely pathogenic. Review status: criteria provided, multiple submitters, no conflicts (2 of 4 stars). 2 submissions from 2 submitters: Pathogenic (1); Likely pathogenic (1). Last evaluated 2024-05-17.

Conditions:
Bartter disease type 1. Also called: HYPOKALEMIC ALKALOSIS WITH HYPERCALCIURIA 1, ANTENATAL; Bartter syndrome, type 1, antenatal; Bartter Syndrome type 1; HYPERPROSTAGLANDIN E SYNDROME 1. Identifiers: Orphanet 112, Orphanet 620217, MedGen C1866495, MONDO:0100344, OMIM 601678, MONDO:0011127.

Allele frequency attached by ClinVar (database versions not stated): ExAC 0.00001.
gnomAD v4.1: 1 of 1,613,766 alleles (0.000062%); highest among the groups gnomAD compares: Non-Finnish European, 0.000085%; no homozygotes.

Submissions (2):

Fulgent Genetics
Classification: Likely pathogenic for Bartter disease type 1. Last evaluated: 2024-05-17. Review status: criteria provided, single submitter. Criteria: ACMG Guidelines, 2015. Collection method: clinical testing. Allele origin: germline.

Labcorp Genetics (formerly Invitae), Labcorp
Classification: Pathogenic. Last evaluated: 2022-06-12. Review status: criteria provided, single submitter. Criteria: Invitae Variant Classification Sherloc (09022015). Collection method: clinical testing. Allele origin: germline.
Comment: For these reasons, this variant has been classified as Pathogenic. This variant has not been reported in the literature in individuals affected with SLC12A1-related conditions. This variant is present in population databases (rs758291275, gnomAD 0.0009%). This sequence change creates a premature translational stop signal (p.Arg439*) in the SLC12A1 gene. It is expected to result in an absent or disrupted protein product. Loss-of-function variants in SLC12A1 are known to be pathogenic (PMID: 8640224, 9585600, 19096086).

Literature cited by the submitters: PubMed 8640224 (cited by Labcorp Genetics (formerly Invitae), Labcorp); PubMed 9585600 (cited by Labcorp Genetics (formerly Invitae), Labcorp); PubMed 19096086 (cited by Labcorp Genetics (formerly Invitae), Labcorp).